The following is an entry in ClinVar:

ClinVar aggregate classification (germline): Likely benign (1 of 4 stars; one submission).

Allele frequency attached by ClinVar (database versions not stated): gnomAD 0.00016; ExAC 0.00027.

Submission:

CeGaT Center for Human Genetics Tuebingen
Classification: Likely benign. Last evaluated: 2022-04-01. Review status: criteria provided, single submitter. Criteria: CeGaT Center For Human Genetics Tuebingen Variant Classification Criteria Version 2. Collection method: clinical testing. Allele origin: germline. Affected: yes. Observed: 1 variant allele.
Comment: GOLGA8S: BP4, BP7

NM_001395373.1(GOLGA8S):c.1824G>A (p.Pro608=)

Gene: GOLGA8S (golgin A8 family member S; plus strand). Cytogenetic location: 15q11.2.
Variant type: single nucleotide variant.
Coding change: c.1824G>A on transcript NM_001395373.1 (MANE Select); coding-DNA position 1824, G replaced by A.
Protein change: p.Pro608=; no amino-acid change (proline 608 retained).
Molecular consequence: synonymous variant.
Genome position (GRCh38, 1-based): chr15:23,365,041, G>A. VCF-style: chr15-23365041-G-A. GRCh37 (hg19) VCF-style: chr15-23610188-G-A.
Other names: c.1146G>A, p.Pro382= (NM_001355465.2).
Identifiers: ClinVar variation 2644970 (VCV002644970.24), dbSNP rs762171565, ClinGen allele CA7428423.